The following is an entry in ClinVar:

NM_020806.5(GPHN):c.1421A>G (p.Glu474Gly)

Gene: GPHN (gephyrin; plus strand). Cytogenetic location: 14q23.3.
Variant type: single nucleotide variant.
Coding change: c.1421A>G on transcript NM_020806.5 (MANE Select); coding-DNA position 1421, A replaced by G.
Protein change: p.Glu474Gly; replaces glutamic acid 474 with glycine.
Molecular consequence: missense variant.
Genome position (GRCh38, 1-based): chr14:67,111,868, A>G. VCF-style: chr14-67111868-A-G. GRCh37 (hg19) VCF-style: chr14-67578585-A-G.
Other names: c.1322A>G, p.Glu441Gly (NM_001024218.2); c.1481A>G, p.Glu494Gly (NM_001377514.1); c.1451A>G, p.Glu484Gly (NM_001377515.1); c.1442A>G, p.Glu481Gly (NM_001377516.1); c.1394A>G, p.Glu465Gly (NM_001377517.1); c.1379A>G, p.Glu460Gly (NM_001377518.1); c.1361A>G, p.Glu454Gly (NM_001377519.1); short protein forms E441G, E494G, E474G, E481G, E454G, E460G, E465G, E484G.
Identifiers: ClinVar variation 4745179 (VCV004745179.1).

ClinVar aggregate classification (germline): Uncertain significance (1 of 4 stars; one submission).

Conditions:
Sulfite oxidase deficiency due to molybdenum cofactor deficiency type C. Also called: Molybdenum cofactor deficiency C; Molybdenum cofactor deficiency, complementation group C. Identifiers: Orphanet 308400, Orphanet 833, MedGen C1854990, MONDO:0014212, OMIM 615501.

Submission:

Labcorp Genetics (formerly Invitae), Labcorp
Classification: Uncertain significance for Sulfite oxidase deficiency due to molybdenum cofactor deficiency type C. Last evaluated: 2025-03-23. Review status: criteria provided, single submitter. Criteria: Invitae Variant Classification Sherloc (09022015). Collection method: clinical testing. Allele origin: germline.
Comment: This sequence change replaces glutamic acid, which is acidic and polar, with glycine, which is neutral and non-polar, at codon 474 of the GPHN protein (p.Glu474Gly). This variant is not present in population databases (gnomAD no frequency). This variant has not been reported in the literature in individuals affected with GPHN-related conditions. Invitae Evidence Modeling of protein sequence and biophysical properties (such as structural, functional, and spatial information, amino acid conservation, physicochemical variation, residue mobility, and thermodynamic stability) indicates that this missense variant is not expected to disrupt GPHN protein function with a negative predictive value of 80%. In summary, the available evidence is currently insufficient to determine the role of this variant in disease. Therefore, it has been classified as a Variant of Uncertain Significance.